The following is an entry in ClinVar:

ClinVar aggregate classification (germline): Uncertain significance (1 of 4 stars; one submission).

Conditions:
Hereditary nonpolyposis colorectal neoplasms. Identifiers: MedGen C0009405, MeSH D003123.

Submission:

Labcorp Genetics (formerly Invitae), Labcorp
Classification: Uncertain significance for Hereditary nonpolyposis colorectal neoplasms. Last evaluated: 2021-10-13. Review status: criteria provided, single submitter. Criteria: Invitae Variant Classification Sherloc (09022015). Collection method: clinical testing. Allele origin: germline.
Comment: In summary, the available evidence is currently insufficient to determine the role of this variant in disease. Therefore, it has been classified as a Variant of Uncertain Significance. This variant disrupts the p.Phe432 amino acid residue in MSH6. Other variant(s) that disrupt this residue have been determined to be pathogenic (PMID: 24933100, 28765196). This suggests that this residue is clinically significant, and that variants that disrupt this residue are likely to be disease-causing. Advanced modeling of protein sequence and biophysical properties (such as structural, functional, and spatial information, amino acid conservation, physicochemical variation, residue mobility, and thermodynamic stability) performed at Invitae indicates that this missense variant is expected to disrupt MSH6 protein function. This sequence change replaces phenylalanine with valine at codon 432 of the MSH6 protein (p.Phe432Val). The phenylalanine residue is highly conserved and there is a small physicochemical difference between phenylalanine and valine. This variant has not been reported in the literature in individuals affected with MSH6-related conditions. This variant is not present in population databases (ExAC no frequency).

Literature cited by the submitters: PubMed 24933100; PubMed 28765196.

NM_000179.3(MSH6):c.1294T>G (p.Phe432Val)

Gene: MSH6 (mutS homolog 6; plus strand). Cytogenetic location: 2p16.3.
Variant type: single nucleotide variant.
Coding change: c.1294T>G on transcript NM_000179.3 (MANE Select); coding-DNA position 1294, T replaced by G.
Protein change: p.Phe432Val; replaces phenylalanine 432 with valine.
Molecular consequence: missense variant.
Genome position (GRCh38, 1-based): chr2:47,799,277, T>G. VCF-style: chr2-47799277-T-G. GRCh37 (hg19) VCF-style: chr2-48026416-T-G.
Other names: c.904T>G, p.Phe302Val (NM_001281492.2); c.388T>G, p.Phe130Val (NM_001281493.2, NM_001281494.2); short protein forms F432V, F130V, F302V.
Identifiers: ClinVar variation 1525238 (VCV001525238.6), dbSNP rs2104334088, ClinGen allele CA346744220.